The following is an entry in ClinVar:

NM_001375808.2(LPIN2):c.1456+29A>G

Gene: LPIN2 (lipin 2; minus strand). Cytogenetic location: 18p11.31.
Variant type: single nucleotide variant.
Coding change: c.1456+29A>G on transcript NM_001375808.2 (MANE Select); 29 bases into the intron after coding-DNA position 1456, A replaced by G.
Molecular consequence: intron variant.
Genome position (GRCh38, 1-based): chr18:2,931,227, T>C on the plus strand (A>G on the coding strand, the complement: LPIN2 is on the minus strand). VCF-style: chr18-2931227-T-C. GRCh37 (hg19) VCF-style: chr18-2931225-T-C.
Other names: c.1456+29A>G (NM_014646.2, NM_001375809.1).
Identifiers: ClinVar variation 673532 (VCV000673532.10), dbSNP rs16944068, ClinGen allele CA8873103.

ClinVar aggregate classification (germline): Benign. Review status: criteria provided, multiple submitters, no conflicts (2 of 4 stars). 3 submissions from 3 submitters: Benign (3). Last evaluated 2018-10-23.

Conditions:
Majeed syndrome (MJDS). Also called: LPIN2-Related Majeed Syndrome; CHRONIC RECURRENT MULTIFOCAL OSTEOMYELITIS 1, WITH CONGENITAL DYSERYTHROPOIETIC ANEMIA, WITH OR WITHOUT NEUTROPHILIC DERMATOSIS. Identifiers: Orphanet 77297, MedGen C1864997, MONDO:0012316, OMIM 609628.

Allele frequency attached by ClinVar (database versions not stated): gnomAD exomes 0.00813 and 0.01464; ExAC 0.01700; gnomAD 0.03140 and 0.03261; TOPMed 0.03373; 1000 Genomes Project 0.03634; ESP Exome Variant Server 0.03752; 1000 Genomes Project 30x 0.03826.
gnomAD v4.1: 16,973 of 1,611,140 alleles (1.1%); highest among the groups gnomAD compares: African/African-American, 9.3%; 486 homozygotes.

Submissions (3):

ARUP Laboratories, Molecular Genetics and Genomics, ARUP Laboratories
Classification: Benign for Majeed syndrome. Last evaluated: 2018-10-23. Review status: criteria provided, single submitter. Criteria: ARUP Molecular Germline Variant Investigation Process. Collection method: clinical testing. Allele origin: germline.

GeneDx
Classification: Benign. Last evaluated: 2018-06-14. Review status: criteria provided, single submitter. Criteria: GeneDx Variant Classification (06012015). Collection method: clinical testing. Allele origin: germline. Affected: yes.
Comment: This variant is considered likely benign or benign based on one or more of the following criteria: it is a conservative change, it occurs at a poorly conserved position in the protein, it is predicted to be benign by multiple in silico algorithms, and/or has population frequency not consistent with disease.

Breakthrough Genomics
Classification: Benign. Review status: criteria provided, single submitter. Criteria: ACMG Guidelines, 2015. Collection method: not provided. Allele origin: germline. Inheritance: Unknown mechanism. Affected: yes.